The following is an entry in ClinVar:

NM_000017.4(ACADS):c.170C>T (p.Ala57Val)

Gene: ACADS (acyl-CoA dehydrogenase short chain; plus strand). Cytogenetic location: 12q24.31.
Variant type: single nucleotide variant.
Coding change: c.170C>T on transcript NM_000017.4 (MANE Select); coding-DNA position 170, C replaced by T.
Protein change: p.Ala57Val; replaces alanine 57 with valine.
Molecular consequence: missense variant.
Genome position (GRCh38, 1-based): chr12:120,727,149, C>T. VCF-style: chr12-120727149-C-T. GRCh37 (hg19) VCF-style: chr12-121164952-C-T.
Other names: c.170C>T, p.Ala57Val (NM_001302554.2); short protein forms A57V.
Identifiers: ClinVar variation 1992190 (VCV001992190.4), dbSNP rs1396303324, ClinGen allele CA386613239.

ClinVar aggregate classification (germline): Uncertain significance (1 of 4 stars; one submission).

Conditions:
Deficiency of butyryl-CoA dehydrogenase (ACADSD). Also called: ACADS DEFICIENCY; Short-Chain Acyl-CoA Dehydrogenase Deficiency; ACYL-CoA DEHYDROGENASE, SHORT-CHAIN, DEFICIENCY OF; SCAD Deficiency; SCADH DEFICIENCY; SCAD DEFICIENCY, MILD. Identifiers: Orphanet 26792, MedGen C0342783, MONDO:0008722, OMIM 201470. Disease mechanism: May be benign.

Allele frequency attached by ClinVar (database versions not stated): TOPMed below 0.00001; gnomAD 0.00001.
gnomAD v4.1: 2 of 1,614,082 alleles (0.00012%); highest among the groups gnomAD compares: African/African-American, 0.0013%; no homozygotes.

Submission:

Labcorp Genetics (formerly Invitae), Labcorp
Classification: Uncertain significance for Deficiency of butyryl-CoA dehydrogenase. Last evaluated: 2022-06-14. Review status: criteria provided, single submitter. Criteria: Invitae Variant Classification Sherloc (09022015). Collection method: clinical testing. Allele origin: germline.
Comment: This variant is not present in population databases (gnomAD no frequency). This sequence change replaces alanine, which is neutral and non-polar, with valine, which is neutral and non-polar, at codon 57 of the ACADS protein (p.Ala57Val). This variant has not been reported in the literature in individuals affected with ACADS-related conditions. In summary, the available evidence is currently insufficient to determine the role of this variant in disease. Therefore, it has been classified as a Variant of Uncertain Significance. Advanced modeling of protein sequence and biophysical properties (such as structural, functional, and spatial information, amino acid conservation, physicochemical variation, residue mobility, and thermodynamic stability) performed at Invitae indicates that this missense variant is expected to disrupt ACADS protein function.